The following is an entry in ClinVar:

NM_014317.5(PDSS1):c.1107G>T (p.Gln369His)

Gene: PDSS1 (decaprenyl diphosphate synthase subunit 1; plus strand). Cytogenetic location: 10p12.1.
Variant type: single nucleotide variant.
Coding change: c.1107G>T on transcript NM_014317.5 (MANE Select); coding-DNA position 1107, G replaced by T.
Protein change: p.Gln369His; replaces glutamine 369 with histidine.
Molecular consequence: missense variant. On other transcripts: nonsense (1).
Genome position (GRCh38, 1-based): chr10:26,742,577, G>T. VCF-style: chr10-26742577-G-T. GRCh37 (hg19) VCF-style: chr10-27031506-G-T.
Other names: c.1107G>T (NM_014317.3); c.916G>T, p.Glu306Ter (NM_001321978.2); c.597G>T, p.Gln199His (NM_001321979.2); short protein forms Q199H, E306*, Q369H.
Identifiers: ClinVar variation 1938599 (VCV001938599.6), dbSNP rs1320634765, ClinGen allele CA376351316.

ClinVar aggregate classification (germline): Uncertain significance. Review status: criteria provided, multiple submitters, no conflicts (2 of 4 stars). 2 submissions from 2 submitters: Uncertain significance (2). Last evaluated 2026-01-14.

Submissions (2):

Labcorp Genetics (formerly Invitae), Labcorp
Classification: Uncertain significance. Last evaluated: 2026-01-14. Review status: criteria provided, single submitter. Criteria: Invitae Variant Classification Sherloc (09022015). Collection method: clinical testing. Allele origin: germline.
Comment: This sequence change replaces glutamine, which is neutral and polar, with histidine, which is basic and polar, at codon 369 of the PDSS1 protein (p.Gln369His). This variant also falls at the last nucleotide of exon 11, which is part of the consensus splice site for this exon. This variant is not present in population databases (gnomAD no frequency). This variant has not been reported in the literature in individuals affected with PDSS1-related conditions. ClinVar contains an entry for this variant (Variation ID: 1938599). An algorithm developed to predict the effect of missense changes on protein structure and function (PolyPhen-2) suggests that this variant is likely to be disruptive. Variants that disrupt the consensus splice site are a relatively common cause of aberrant splicing (PMID: 17576681, 9536098). Algorithms developed to predict the effect of sequence changes on RNA splicing suggest that this variant may disrupt the consensus splice site. In summary, the available evidence is currently insufficient to determine the role of this variant in disease. Therefore, it has been classified as a Variant of Uncertain Significance.

GeneDx
Classification: Uncertain significance. Last evaluated: 2023-03-16. Review status: criteria provided, single submitter. Criteria: GeneDx Variant Classification Process June 2021. Collection method: clinical testing. Allele origin: germline. Affected: yes.
Comment: Last nucleotide of the exon variant in a gene for which loss of function is a known mechanism of disease, and both splice predictors and evolutionary conservation support a deleterious effect, although in the absence of functional evidence the actual effect of this sequence change is unknown.; Not observed at significant frequency in large population cohorts (gnomAD); In silico analysis supports that this missense variant does not alter protein structure/function; Has not been previously published as pathogenic or benign to our knowledge

Literature cited by the submitters: PubMed 17576681 (cited by Labcorp Genetics (formerly Invitae), Labcorp); PubMed 9536098 (cited by Labcorp Genetics (formerly Invitae), Labcorp).